The following is an entry in ClinVar:

NM_052813.5(CARD9):c.1357+5G>C

Gene: CARD9 (caspase recruitment domain family member 9; minus strand). Cytogenetic location: 9q34.3.
Variant type: single nucleotide variant.
Coding change: c.1357+5G>C on transcript NM_052813.5 (MANE Select); 5 bases into the intron after coding-DNA position 1357, G replaced by C.
Molecular consequence: intron variant.
Genome position (GRCh38, 1-based): chr9:136,366,795, C>G on the plus strand (G>C on the coding strand, the complement: CARD9 is on the minus strand). VCF-style: chr9-136366795-C-G. GRCh37 (hg19) VCF-style: chr9-139261247-C-G.
Other names: c.1357+5G>C (NM_052814.4).
Identifiers: ClinVar variation 1997579 (VCV001997579.4), dbSNP rs1228496867, ClinGen allele CA591179497.

ClinVar aggregate classification (germline): Uncertain significance (1 of 4 stars; one submission).

Conditions:
Predisposition to invasive fungal disease due to CARD9 deficiency (IMD103). Also called: IMMUNODEFICIENCY 103, SUSCEPTIBILITY TO FUNGAL INFECTIONS; Candidiasis, familial, 2, autosomal recessive; CARD9 IMMUNODEFICIENCY. Identifiers: Orphanet 457088, MedGen C1859353, MONDO:0008905, OMIM 212050.

Allele frequency attached by ClinVar (database versions not stated): TOPMed below 0.00001; gnomAD 0.00001.

Submission:

Labcorp Genetics (formerly Invitae), Labcorp
Classification: Uncertain significance for Predisposition to invasive fungal disease due to CARD9 deficiency. Last evaluated: 2023-01-26. Review status: criteria provided, single submitter. Criteria: Invitae Variant Classification Sherloc (09022015). Collection method: clinical testing. Allele origin: germline.
Comment: In summary, the available evidence is currently insufficient to determine the role of this variant in disease. Therefore, it has been classified as a Variant of Uncertain Significance. Variants that disrupt the consensus splice site are a relatively common cause of aberrant splicing (PMID: 17576681, 9536098). Algorithms developed to predict the effect of sequence changes on RNA splicing suggest that this variant may disrupt the consensus splice site. This variant has not been reported in the literature in individuals affected with CARD9-related conditions. This variant is present in population databases (no rsID available, gnomAD 0.0009%). This sequence change falls in intron 10 of the CARD9 gene. It does not directly change the encoded amino acid sequence of the CARD9 protein. It affects a nucleotide within the consensus splice site.

Literature cited by the submitters: PubMed 17576681; PubMed 9536098.